The following is an entry in ClinVar:

ClinVar aggregate classification (germline): Uncertain significance (1 of 4 stars; one submission).

Allele frequency attached by ClinVar (database versions not stated): gnomAD exomes below 0.00001.
gnomAD v4.1: 4 of 1,613,288 alleles (0.00025%); highest among the groups gnomAD compares: Non-Finnish European, 0.00034%; no homozygotes.

Submission:

Women's Health and Genetics/Laboratory Corporation of America, LabCorp
Classification: Uncertain significance. Last evaluated: 2022-07-19. Review status: criteria provided, single submitter. Criteria: LabCorp Variant Classification Summary - May 2015. Collection method: clinical testing. Allele origin: germline.
Comment: Variant summary: TTN c.69707T>G (p.Phe23236Cys) results in a non-conservative amino acid change located in the A-band region of the encoded protein sequence. Four of five in-silico tools predict a damaging effect of the variant on protein function. The variant was absent in 247478 control chromosomes. The available data on variant occurrences in the general population are insufficient to allow any conclusion about variant significance. To our knowledge, no occurrence of c.69707T>G in individuals affected with Limb-Girdle Muscular Dystrophy, Type 2J/Dilated Cardiomyopathy/TTN-related disorders and no experimental evidence demonstrating its impact on protein function have been reported. No clinical diagnostic laboratories have submitted clinical-significance assessments for this variant to ClinVar after 2014. Based on the evidence outlined above, the variant was classified as uncertain significance.

NM_001267550.2(TTN):c.77411T>G (p.Phe25804Cys)

Genes: TTN (titin; minus strand), TTN-AS1 (TTN antisense RNA 1; plus strand). Cytogenetic location: 2q31.2.
Variant type: single nucleotide variant.
Coding change: c.77411T>G on transcript NM_001267550.2 (MANE Select); coding-DNA position 77411, T replaced by G.
Protein change: p.Phe25804Cys; replaces phenylalanine 25804 with cysteine.
Molecular consequence: missense variant.
Genome position (GRCh38, 1-based): chr2:178,568,721, A>C on the plus strand (T>G on the coding strand, the complement: TTN is on the minus strand). VCF-style: chr2-178568721-A-C. GRCh37 (hg19) VCF-style: chr2-179433448-A-C.
Other names: c.72488T>G, p.Phe24163Cys (NM_001256850.1); c.50216T>G, p.Phe16739Cys (NM_003319.4); c.69707T>G, p.Phe23236Cys (NM_133378.4); c.50591T>G, p.Phe16864Cys (NM_133432.3); c.50792T>G, p.Phe16931Cys (NM_133437.4); short protein forms F25804C, F16864C, F16931C, F16739C, F24163C, F23236C.
Identifiers: ClinVar variation 1704609 (VCV001704609.1), dbSNP rs2468375305, ClinGen allele CA349610623.